The following is an entry in ClinVar:

NM_003803.4(MYOM1):c.1117A>G (p.Lys373Glu)

Gene: MYOM1 (myomesin 1; minus strand). Cytogenetic location: 18p11.31.
Variant type: single nucleotide variant.
Coding change: c.1117A>G on transcript NM_003803.4 (MANE Select); coding-DNA position 1117, A replaced by G.
Protein change: p.Lys373Glu; replaces lysine 373 with glutamic acid.
Molecular consequence: missense variant.
Genome position (GRCh38, 1-based): chr18:3,173,995, T>C on the plus strand (A>G on the coding strand, the complement: MYOM1 is on the minus strand). VCF-style: chr18-3173995-T-C. GRCh37 (hg19) VCF-style: chr18-3173993-T-C.
Other names: c.1117A>G, p.Lys373Glu (NM_019856.2); short protein forms K373E.
Identifiers: ClinVar variation 1796477 (VCV001796477.3), dbSNP rs760649398, ClinGen allele CA8875041.

ClinVar aggregate classification (germline): Uncertain significance. Review status: criteria provided, multiple submitters, no conflicts (2 of 4 stars). 2 submissions from 2 submitters: Uncertain significance (2). Last evaluated 2025-08-12.

Conditions:
Hypertrophic cardiomyopathy. Also called: HYPERTROPHIC MYOCARDIOPATHY. Identifiers: Orphanet 217569, MedGen C0007194, MeSH D002312, MONDO:0005045, HP:0001639.

Allele frequency attached by ClinVar (database versions not stated): gnomAD exomes below 0.00001; ExAC 0.00001; TOPMed 0.00001.
gnomAD v4.1: 4 of 1,613,300 alleles (0.00025%); highest among the groups gnomAD compares: Non-Finnish European, 0.00034%; no homozygotes.

Submissions (2):

Labcorp Genetics (formerly Invitae), Labcorp
Classification: Uncertain significance for Hypertrophic cardiomyopathy. Last evaluated: 2025-08-12. Review status: criteria provided, single submitter. Criteria: Invitae Variant Classification Sherloc (09022015). Collection method: clinical testing. Allele origin: germline.
Comment: This sequence change replaces lysine, which is basic and polar, with glutamic acid, which is acidic and polar, at codon 373 of the MYOM1 protein (p.Lys373Glu). This variant is present in population databases (rs760649398, gnomAD 0.002%). This variant has not been reported in the literature in individuals affected with MYOM1-related conditions. ClinVar contains an entry for this variant (Variation ID: 1796477). Invitae Evidence Modeling of protein sequence and biophysical properties (such as structural, functional, and spatial information, amino acid conservation, physicochemical variation, residue mobility, and thermodynamic stability) has been performed for this missense variant. However, the output from this modeling did not meet the statistical confidence thresholds required to predict the impact of this variant on MYOM1 protein function. In summary, the available evidence is currently insufficient to determine the role of this variant in disease. Therefore, it has been classified as a Variant of Uncertain Significance.

Ambry Genetics
Classification: Uncertain significance. Last evaluated: 2021-08-05. Review status: criteria provided, single submitter. Criteria: Ambry Variant Classification Scheme 2023. Collection method: clinical testing. Allele origin: germline.
Comment: The p.K373E variant (also known as c.1117A>G), located in coding exon 7 of the MYOM1 gene, results from an A to G substitution at nucleotide position 1117. The lysine at codon 373 is replaced by glutamic acid, an amino acid with similar properties. This amino acid position is conserved. In addition, the in silico prediction for this alteration is inconclusive. Since supporting evidence is limited at this time, the clinical significance of this alteration remains unclear.